The following is an entry in ClinVar:

NM_001171.6(ABCC6):c.4252C>A (p.Arg1418=)

Gene: ABCC6 (ATP binding cassette subfamily C member 6; minus strand). Cytogenetic location: 16p13.11.
Variant type: single nucleotide variant.
Coding change: c.4252C>A on transcript NM_001171.6 (MANE Select); coding-DNA position 4252, C replaced by A.
Protein change: p.Arg1418=; no amino-acid change (arginine 1418 retained).
Molecular consequence: synonymous variant. On other transcripts: non-coding transcript variant (1).
Genome position (GRCh38, 1-based): chr16:16,150,729, G>T on the plus strand (C>A on the coding strand, the complement: ABCC6 is on the minus strand). VCF-style: chr16-16150729-G-T. GRCh37 (hg19) VCF-style: chr16-16244586-G-T.
Other names: c.3910C>A, p.Arg1304= (NM_001351800.1).
Identifiers: ClinVar variation 2099991 (VCV002099991.5), dbSNP rs59588658, ClinGen allele CA7925243.
Genomic context (GRCh38, chr16:16,150,729, plus strand): 5'-GCTCCGTGCCAGGGTCCACGGCAGCAGTAGCCTCGTCCAGGATGAGGATCTGGGTCTTCC[G>T]GAGAAGGGCACGTGCCAGACACAGGAGCTGTTTCTGGCCCACGCTGGGAACGATTGGGAC-3'
Protein context (NP_001162.5, residues 1408-1428): QLLCLARALL[Arg1418=]KTQILILDEA

ClinVar aggregate classification (germline): Uncertain significance. Review status: criteria provided, multiple submitters, no conflicts (2 of 4 stars). 2 submissions from 2 submitters: Uncertain significance (2). Last evaluated 2023-12-27.

Conditions:
Autosomal recessive inherited pseudoxanthoma elasticum (PXE). Identifiers: Orphanet 758, MedGen CN032334, MONDO:0009925, OMIM 264800.
Pseudoxanthoma elasticum, forme fruste. Also called: Pseudoxanthoma Elasticum, Incomplete; PSEUDOXANTHOMA ELASTICUM, HETEROZYGOUS. Identifiers: Orphanet 758, MedGen C1867450, MONDO:0008333, OMIM 177850.
Arterial calcification, generalized, of infancy, 2. Identifiers: Orphanet 51608, MedGen C3276161, MONDO:0013768, OMIM 614473.

Submissions (2):

Fulgent Genetics
Classification: Uncertain significance for Pseudoxanthoma elasticum, forme fruste; Autosomal recessive inherited pseudoxanthoma elasticum; Arterial calcification, generalized, of infancy, 2. Last evaluated: 2023-12-27. Review status: criteria provided, single submitter. Criteria: ACMG Guidelines, 2015. Collection method: clinical testing. Allele origin: germline.

Labcorp Genetics (formerly Invitae), Labcorp
Classification: Uncertain significance. Last evaluated: 2022-02-20. Review status: criteria provided, single submitter. Criteria: Invitae Variant Classification Sherloc (09022015). Collection method: clinical testing. Allele origin: germline.
Comment: In summary, the available evidence is currently insufficient to determine the role of this variant in disease. Therefore, it has been classified as a Variant of Uncertain Significance. Algorithms developed to predict the effect of sequence changes on RNA splicing suggest that this variant may create or strengthen a splice site. This variant has not been reported in the literature in individuals affected with ABCC6-related conditions. The frequency data for this variant in the population databases is considered unreliable, as metrics indicate poor data quality at this position in the gnomAD database. This sequence change affects codon 1418 of the ABCC6 mRNA. It is a 'silent' change, meaning that it does not change the encoded amino acid sequence of the ABCC6 protein.